The following is an entry in ClinVar:

NM_021871.4(FGA):c.1542T>C (p.Pro514=)

Gene: FGA (fibrinogen alpha chain; minus strand). Cytogenetic location: 4q31.3.
Variant type: single nucleotide variant.
Coding change: c.1542T>C on transcript NM_021871.4 (MANE Select); coding-DNA position 1542, T replaced by C.
Protein change: p.Pro514=; no amino-acid change (proline 514 retained).
Molecular consequence: synonymous variant.
Genome position (GRCh38, 1-based): chr4:154,585,887, A>G on the plus strand (T>C on the coding strand, the complement: FGA is on the minus strand). VCF-style: chr4-154585887-A-G. GRCh37 (hg19) VCF-style: chr4-155507039-A-G.
Other names: c.1542T>C (LRG_557t2); c.1542T>C, p.Pro514= (NM_000508.5).
Identifiers: ClinVar variation 347809 (VCV000347809.11), dbSNP rs4766, ClinGen allele CA3115073.
Genomic context (GRCh38, chr4:154,585,887, plus strand): 5'-TGAGAAGAAACCTGGGAATGTTTTTCCAGTTGAGGCAGTGTCGAAGAAGGCAGCTTCATC[A>G]GGGTGCCTATGGCGGAACCCATCCAGAGTACCTATGCCAGACAATGTGCCTAAATCCATT-3'
Protein context (NP_068657.1, residues 504-524): GTLDGFRHRH[Pro514=]DEAAFFDTAS

ClinVar aggregate classification (germline): Benign/Likely benign. Review status: criteria provided, multiple submitters, no conflicts (2 of 4 stars). 5 submissions from 4 submitters: Benign (1); Likely benign (4). Last evaluated 2024-11-06.

Conditions:
Congenital afibrinogenemia. Identifiers: Orphanet 335, Orphanet 98880, MedGen C2584774, MONDO:0008737, OMIM 202400.
Familial visceral amyloidosis, Ostertag type (AMYLD2). Also called: Amyloidosis, hepatic and systemic; AMYLOIDOSIS VIII; Hereditary Renal Amyloidosis; AMYLOIDOSIS, HEREDITARY SYSTEMIC 2; Ostertag type amyloidosis; Familial visceral amyloidosis. Identifiers: Orphanet 85450, MedGen C0268389, MONDO:0007099, OMIM 105200.

Allele frequency attached by ClinVar (database versions not stated): gnomAD exomes 0.00037 and 0.00100; ExAC 0.00106; 1000 Genomes Project 30x 0.00328; 1000 Genomes Project 0.00339; gnomAD 0.00398 and 0.00426; ESP Exome Variant Server 0.00400; TOPMed 0.00447.
gnomAD v4.1: 1,171 of 1,614,092 alleles (0.073%); highest among the groups gnomAD compares: African/African-American, 1.4%; 9 homozygotes.

Submissions (5):

Blueprint Genetics
Classification: Likely benign. Last evaluated: 2024-11-06. Review status: criteria provided, single submitter. Criteria: ACMG Guidelines, 2015. Collection method: clinical testing. Allele origin: germline.

Labcorp Genetics (formerly Invitae), Labcorp
Classification: Benign. Last evaluated: 2019-12-31. Review status: criteria provided, single submitter. Criteria: Invitae Variant Classification Sherloc (09022015). Collection method: clinical testing. Allele origin: germline.

Illumina Laboratory Services, Illumina
Classification: Likely benign for Congenital afibrinogenemia. Last evaluated: 2017-04-27. Review status: criteria provided, single submitter. Criteria: ICSL Variant Classification Criteria 13 December 2019. Collection method: clinical testing. Allele origin: germline.
Comment: This variant was observed as part of a predisposition screen in an ostensibly healthy population. A literature search was performed for the gene, cDNA change, and amino acid change (where applicable). Publications were found based on this search. The evidence from the literature, in combination with allele frequency data from public databases where available, was sufficient to determine this variant is unlikely to cause disease. Therefore, this variant is classified as likely benign.

Illumina Laboratory Services, Illumina
Classification: Likely benign for Familial visceral amyloidosis, Ostertag type. Last evaluated: 2017-04-27. Review status: criteria provided, single submitter. Criteria: ICSL Variant Classification Criteria 13 December 2019. Collection method: clinical testing. Allele origin: germline.
Comment: the same text as in the submission from Illumina Laboratory Services, Illumina above.

Breakthrough Genomics
Classification: Likely benign. Review status: criteria provided, single submitter. Criteria: ACMG Guidelines, 2015. Collection method: not provided. Allele origin: germline. Inheritance: Autosomal recessive inheritance. Affected: yes.

Literature cited by the submitters: PubMed 12871326 (cited by Illumina Laboratory Services, Illumina).